The following is an entry in ClinVar:

NM_001160372.4(TRAPPC9):c.3055+1G>A

Gene: TRAPPC9 (trafficking protein particle complex subunit 9; minus strand). Cytogenetic location: 8q24.3.
Variant type: single nucleotide variant.
Coding change: c.3055+1G>A on transcript NM_001160372.4 (MANE Select); the canonical splice donor site of the intron after coding-DNA position 3055, G replaced by A.
Molecular consequence: splice donor variant.
Genome position (GRCh38, 1-based): chr8:139,885,878, C>T on the plus strand (G>A on the coding strand, the complement: TRAPPC9 is on the minus strand). VCF-style: chr8-139885878-C-T. GRCh37 (hg19) VCF-style: chr8-140898122-C-T.
Other names: c.3055+1G>A (NM_031466.8); c.3028+1G>A (NM_001321646.2); c.2911+1G>A (NM_001374684.1); c.2944+1G>A (NM_001374683.1); c.3076+1G>A (NM_001374682.1).
Identifiers: ClinVar variation 545510 (VCV000545510.3), dbSNP rs539016732.

ClinVar aggregate classification (germline): Pathogenic (1 of 4 stars; one submission).

Conditions:
Intellectual developmental disorder, autosomal recessive 13. Also called: Intellectual disability, autosomal recessive 13. Identifiers: Orphanet 88616, MedGen C2750791, MONDO:0013173, OMIM 613192.

Allele frequency attached by ClinVar (database versions not stated): ExAC below 0.00001; gnomAD exomes below 0.00001 and 0.00001; gnomAD 0.00001; TOPMed 0.00001; 1000 Genomes Project 0.00020; 1000 Genomes Project 30x 0.00016.
gnomAD v4.1: 2 of 1,561,094 alleles (0.00013%); highest among the groups gnomAD compares: East Asian, 0.0048%; no homozygotes.

Submission:

Juno Genomics, Hangzhou Juno Genomics, Inc
Classification: Pathogenic for Intellectual developmental disorder, autosomal recessive 13. Review status: criteria provided, single submitter. Criteria: ACMG Guidelines, 2015. Collection method: clinical testing. Allele origin: germline.
Comment: Absent from controls (or at extremely low frequency if recessive) in Genome Aggregation Database.;Null variant in a gene where loss of function (LOF) is a known mechanism of disease.;For recessive disorders, detected in trans with a pathogenic variant.